The following is an entry in ClinVar:

NM_000492.4(CFTR):c.1204G>T (p.Glu402Ter)

Gene: CFTR (CF transmembrane conductance regulator; plus strand). Cytogenetic location: 7q31.2.
Variant type: single nucleotide variant.
Coding change: c.1204G>T on transcript NM_000492.4 (MANE Select); coding-DNA position 1204, G replaced by T.
Protein change: p.Glu402Ter; replaces glutamic acid 402 with a stop codon.
Molecular consequence: nonsense.
Genome position (GRCh38, 1-based): chr7:117,542,103, G>T. VCF-style: chr7-117542103-G-T. GRCh37 (hg19) VCF-style: chr7-117182157-G-T.
Other names: short protein forms E402*.
Identifiers: ClinVar variation 3629912 (VCV003629912.3).

ClinVar aggregate classification (germline): Pathogenic/Likely pathogenic. Review status: criteria provided, multiple submitters, no conflicts (2 of 4 stars). 3 submissions from 3 submitters: Pathogenic (2); Likely pathogenic (1). Last evaluated 2025-07-18.

Conditions:
Cystic fibrosis (CF). Also called: MUCOVISCIDOSIS. Identifiers: Orphanet 586, MedGen C0010674, MONDO:0009061, OMIM 219700. Disease mechanism: loss of function.
CFTR-related disorder (CFTR-RD). Also called: CFTR-related disorders; CFTR-related condition. Identifiers: MedGen C5924204, MONDO:7770004.

Submissions (3):

Ambry Genetics
Classification: Pathogenic for Cystic fibrosis. Last evaluated: 2025-07-18. Review status: criteria provided, single submitter. Criteria: Ambry Variant Classification Scheme 2023. Collection method: clinical testing. Allele origin: germline.
Comment: The p.E402* pathogenic mutation (also known as c.1204G>T), located in coding exon 9 of the CFTR gene, results from a G to T substitution at nucleotide position 1204. This changes the amino acid from a glutamic acid to a stop codon within coding exon 9. This variant is considered to be rare based on population cohorts in the Genome Aggregation Database (gnomAD). This alteration is expected to result in loss of function by premature protein truncation or nonsense-mediated mRNA decay. As such, this alteration is interpreted as a disease-causing mutation.

Natera, Inc.
Classification: Likely pathogenic for CFTR-related disorders. Last evaluated: 2025-01-04. Review status: criteria provided, single submitter. Criteria: Natera Variant Classification Schema (03/2026). Collection method: clinical testing. Allele origin: germline.
Comment: The c.1204G>T variant in CFTR is a nonsense variant predicted to introduce a stop codon at amino acid 402. This variant is expected to result in nonsense mediated decay, truncation, or a dysfunctional protein product. This variant is rare in the general population with a frequency below the threshold expected for the associated phenotype(s). Given the available evidence, this variant is classified as Likely Pathogenic.

Women's Health and Genetics/Laboratory Corporation of America, LabCorp
Classification: Pathogenic for Cystic fibrosis. Last evaluated: 2024-11-25. Review status: criteria provided, single submitter. Criteria: LabCorp Variant Classification Summary - May 2015. Collection method: clinical testing. Allele origin: germline.
Comment: Variant summary: CFTR c.1204G>T (p.Glu402X) results in a premature termination codon, predicted to cause absence of the protein due to nonsense mediated decay, which is a commonly known mechanism for disease. The variant was absent in 250608 control chromosomes. c.1204G>T has been reported in the literature and the CFTR-France Dababase in individuals affected with Cystic Fibrosis (example, Petrova_2020) . These report(s) do not provide unequivocal conclusions about association of the variant with Cystic Fibrosis. To our knowledge, no experimental evidence demonstrating an impact on protein function has been reported. The following publication has been ascertained in the context of this evaluation (PMID: 32429104). No submitters have cited clinical-significance assessments for this variant to ClinVar. Based on the evidence outlined above, the variant was classified as pathogenic.

Literature cited by the submitters: PubMed 32429104 (cited by Women's Health and Genetics/Laboratory Corporation of America, LabCorp).